The following is an entry in ClinVar:

NM_014244.5(ADAMTS2):c.3342C>T (p.Asn1114=)

Gene: ADAMTS2 (ADAM metallopeptidase with thrombospondin type 1 motif 2; minus strand). Cytogenetic location: 5q35.3.
Variant type: single nucleotide variant.
Coding change: c.3342C>T on transcript NM_014244.5 (MANE Select); coding-DNA position 3342, C replaced by T.
Protein change: p.Asn1114=; no amino-acid change (asparagine 1114 retained).
Molecular consequence: synonymous variant.
Genome position (GRCh38, 1-based): chr5:179,114,161, G>A on the plus strand (C>T on the coding strand, the complement: ADAMTS2 is on the minus strand). VCF-style: chr5-179114161-G-A. GRCh37 (hg19) VCF-style: chr5-178541162-G-A.
Identifiers: ClinVar variation 353090 (VCV000353090.24), dbSNP rs79606317, ClinGen allele CA3595252.

ClinVar aggregate classification (germline): Conflicting classifications of pathogenicity. Review status: criteria provided, conflicting classifications (1 of 4 stars). 7 submissions from 7 submitters: Uncertain significance (1); Likely benign (5). 1 of the submissions does not count toward it. Last evaluated 2026-07-01.

Conditions:
Ehlers-Danlos syndrome, dermatosparaxis type. Also called: Dermatosparaxis; Ehlers-Danlos syndrome, type VII, autosomal recessive; EDS VIIC. Identifiers: Orphanet 1901, MedGen C2700425, MONDO:0009161, OMIM 225410.

Allele frequency attached by ClinVar (database versions not stated): gnomAD 0.00017; 1000 Genomes Project 0.00020; TOPMed 0.00020; ESP Exome Variant Server 0.00023; ExAC 0.00025; gnomAD exomes 0.00025 and 0.00029; 1000 Genomes Project 30x 0.00031.
gnomAD v4.1: 456 of 1,612,524 alleles (0.028%); highest among the groups gnomAD compares: East Asian, 0.11%; no homozygotes.

Submissions (7):

CeGaT Center for Human Genetics Tuebingen
Classification: Likely benign. Last evaluated: 2026-07-01. Review status: criteria provided, single submitter. Criteria: CeGaT Center For Human Genetics Tuebingen Variant Classification Criteria Version 2. Collection method: clinical testing. Allele origin: germline. Affected: yes. Observed: 1 variant allele.
Comment: ADAMTS2: BP4, BP7

Labcorp Genetics (formerly Invitae), Labcorp
Classification: Likely benign for Ehlers-Danlos syndrome, dermatosparaxis type. Last evaluated: 2026-01-21. Review status: criteria provided, single submitter. Criteria: Invitae Variant Classification Sherloc (09022015). Collection method: clinical testing. Allele origin: germline.

Women's Health and Genetics/Laboratory Corporation of America, LabCorp
Classification: Likely benign. Last evaluated: 2025-04-09. Review status: criteria provided, single submitter. Criteria: LabCorp Variant Classification Summary - May 2015. Collection method: clinical testing. Allele origin: germline.

Blueprint Genetics
Classification: Likely benign. Last evaluated: 2024-09-12. Review status: criteria provided, single submitter. Criteria: ACMG Guidelines, 2015. Collection method: clinical testing. Allele origin: germline.

GeneDx
Classification: Likely benign. Last evaluated: 2020-11-11. Review status: criteria provided, single submitter. Criteria: GeneDx Variant Classification Process June 2021. Collection method: clinical testing. Allele origin: germline. Affected: yes.

Illumina Laboratory Services, Illumina
Classification: Uncertain significance for Ehlers-Danlos syndrome, dermatosparaxis type. Last evaluated: 2018-01-12. Review status: criteria provided, single submitter. Criteria: ICSL Variant Classification Criteria 13 December 2019. Collection method: clinical testing. Allele origin: germline.

Natera, Inc.
Classification: Likely benign for Ehlers-Danlos syndrome type VIIC. Last evaluated: 2020-09-16. Review status: no assertion criteria provided. Collection method: clinical testing. Allele origin: germline. Not counted in ClinVar's aggregate classification.